The following is an entry in ClinVar:

ClinVar aggregate classification (germline): Uncertain significance (1 of 4 stars; one submission).

Submission:

Labcorp Genetics (formerly Invitae), Labcorp
Classification: Uncertain significance. Last evaluated: 2022-11-04. Review status: criteria provided, single submitter. Criteria: Invitae Variant Classification Sherloc (09022015). Collection method: clinical testing. Allele origin: germline.
Comment: In summary, the available evidence is currently insufficient to determine the role of this variant in disease. Therefore, it has been classified as a Variant of Uncertain Significance. Algorithms developed to predict the effect of sequence changes on RNA splicing suggest that this variant may disrupt the consensus splice site. This variant has not been reported in the literature in individuals affected with GFAP-related conditions. This variant is not present in population databases (gnomAD no frequency). This sequence change affects a splice site in intron 7 of the GFAP gene. It is expected to disrupt RNA splicing. Variants that disrupt the donor or acceptor splice site typically lead to a loss of protein function (PMID: 16199547), however the current clinical and genetic evidence is not sufficient to establish whether loss-of-function variants in GFAP cause disease.

Literature cited by the submitters: PubMed 16199547.

NM_002055.5(GFAP):c.1171+1_1171+5del

Gene: GFAP (glial fibrillary acidic protein; minus strand). Cytogenetic location: 17q21.31.
Variant type: Deletion.
Coding change: c.1171+1_1171+5del on transcript NM_002055.5 (MANE Select); the canonical splice donor site of the intron after coding-DNA position 1171 through 5 bases into the intron after coding-DNA position 1171, 5 bases deleted (GTCAG; older notation c.1171+1_1171+5delGTCAG).
Molecular consequence: splice donor variant. On other transcripts: frameshift variant (1).
Genome position (GRCh38, 1-based): chr17:44,910,610-44,910,614, CTGAC deleted on the plus strand (GTCAG on the coding strand, the reverse complement: GFAP is on the minus strand); deleting any 5 consecutive bases within chr17:44,910,610-44,910,616 gives the same sequence; the c. name uses the placement nearest the transcript's 3' end. VCF-style (leftmost placement, unchanged base first): chr17-44910609-ACTGAC-A. GRCh37 (hg19) VCF-style: chr17-42987977-ACTGAC-A.
Other names: c.1172_1176del, p.Gly391fs (NM_001242376.3); c.1171+1_1171+5del (NM_001363846.2, NM_001131019.3); short protein forms G391fs.
Identifiers: ClinVar variation 2784318 (VCV002784318.3), dbSNP rs2508930783, ClinGen allele CA2739267585.
Genomic context (GRCh38, chr17:44,910,609, plus strand): 5'-ACCTACAGGCCCTGGAGGAGGGGGCAGGACTCCAGTGCCCTTCCCACGAGGCCCTGCTGT[ACTGAC>A]CTCGAATCTGCAGGTTGGAGAAGGTCTGCACGGGAATGGTGATCCTGAAAGAAAGCAGAG-3'